The following is an entry in ClinVar:

ClinVar aggregate classification (germline): Uncertain significance (1 of 4 stars; one submission).

Submission:

GeneDx
Classification: Uncertain significance. Last evaluated: 2024-10-29. Review status: criteria provided, single submitter. Criteria: GeneDx Variant Classification Process June 2021. Collection method: clinical testing. Allele origin: germline. Affected: yes.
Comment: Not observed at significant frequency in large population cohorts (gnomAD); In silico analysis indicates that this missense variant does not alter protein structure/function; Has not been previously published as pathogenic or benign to our knowledge

NM_006662.3(SRCAP):c.8176G>T (p.Ala2726Ser)

Gene: SRCAP (Snf2 related CREBBP activator protein; plus strand). Cytogenetic location: 16p11.2.
Variant type: single nucleotide variant.
Coding change: c.8176G>T on transcript NM_006662.3 (MANE Select); coding-DNA position 8176, G replaced by T.
Protein change: p.Ala2726Ser; replaces alanine 2726 with serine.
Molecular consequence: missense variant.
Genome position (GRCh38, 1-based): chr16:30,738,216, G>T. VCF-style: chr16-30738216-G-T. GRCh37 (hg19) VCF-style: chr16-30749537-G-T.
Other names: short protein forms A2726S.
Identifiers: ClinVar variation 3897480 (VCV003897480.1).